The following is an entry in ClinVar:

ClinVar aggregate classification (germline): Uncertain significance. Review status: criteria provided, multiple submitters, no conflicts (2 of 4 stars). 2 submissions from 2 submitters: Uncertain significance (2). Last evaluated 2026-05-20.

Conditions:
Inborn genetic diseases. Identifiers: MedGen C0950123, MeSH D030342.

gnomAD v4.1: 3 of 1,614,012 alleles (0.00019%); highest among the groups gnomAD compares: Non-Finnish European, 0.00025%; no homozygotes.

Submissions (2):

Ambry Genetics
Classification: Uncertain significance for Inborn genetic diseases. Last evaluated: 2026-05-20. Review status: criteria provided, single submitter. Criteria: Ambry Variant Classification Scheme 2023. Collection method: clinical testing. Allele origin: germline.

CeGaT Center for Human Genetics Tuebingen
Classification: Uncertain significance. Last evaluated: 2023-08-01. Review status: criteria provided, single submitter. Criteria: CeGaT Center For Human Genetics Tuebingen Variant Classification Criteria Version 2. Collection method: clinical testing. Allele origin: germline. Affected: yes. Observed: 1 variant allele.
Comment: MED13L: PM2, BP4

NM_015335.5(MED13L):c.4427C>T (p.Thr1476Ile)

Gene: MED13L (mediator complex subunit 13L; minus strand). Cytogenetic location: 12q24.21.
Variant type: single nucleotide variant.
Coding change: c.4427C>T on transcript NM_015335.5 (MANE Select); coding-DNA position 4427, C replaced by T.
Protein change: p.Thr1476Ile; replaces threonine 1476 with isoleucine.
Molecular consequence: missense variant.
Genome position (GRCh38, 1-based): chr12:115,984,284, G>A on the plus strand (C>T on the coding strand, the complement: MED13L is on the minus strand). VCF-style: chr12-115984284-G-A. GRCh37 (hg19) VCF-style: chr12-116422089-G-A.
Other names: c.4427C>T (NM_015335.4); short protein forms T1476I.
Identifiers: ClinVar variation 2643363 (VCV002643363.25), dbSNP rs1877534984, ClinGen allele CA386883666.